The following is an entry in ClinVar:

NM_001282531.3(ADNP):c.3213_3216del (p.Ser1071fs)

Gene: ADNP (activity dependent neuroprotector homeobox; minus strand). Cytogenetic location: 20q13.13.
Variant type: Deletion.
Coding change: c.3213_3216del on transcript NM_001282531.3 (MANE Select); coding-DNA positions 3213 to 3216, 4 bases deleted (TGAG; older notation c.3213_3216delTGAG).
Protein change: p.Ser1071fs; shifts the reading frame from serine 1071.
Molecular consequence: frameshift variant.
Genome position (GRCh38, 1-based): chr20:50,891,498-50,891,501, CTCA deleted on the plus strand (TGAG on the coding strand, the reverse complement: ADNP is on the minus strand); deleting any 4 consecutive bases within chr20:50,891,498-50,891,503 gives the same sequence; the c. name uses the placement nearest the transcript's 3' end. VCF-style (leftmost placement, unchanged base first): chr20-50891497-CCTCA-C. GRCh37 (hg19) VCF-style: chr20-49508034-CCTCA-C.
Other names: c.3213_3216del, p.Ser1071fs (NM_001282532.2, NM_001347511.2, NM_015339.5 and 1 more transcripts); short protein forms S1071fs.
Identifiers: ClinVar variation 694537 (VCV000694537.5), dbSNP rs1568701332, ClinGen allele CA915951969.

ClinVar aggregate classification (germline): Conflicting classifications of pathogenicity. Review status: criteria provided, conflicting classifications (1 of 4 stars). 4 submissions from 4 submitters: Pathogenic (1); Uncertain significance (2). 1 of the submissions does not count toward it. Last evaluated 2024-09-24.

Conditions:
ADNP-related multiple congenital anomalies - intellectual disability - autism spectrum disorder. Also called: Helsmoortel-Van der Aa Syndrome; ADNP-Related Helsmoortel-Van der Aa Syndrome. Identifiers: Orphanet 404448, MedGen C4014538, MONDO:0014379, OMIM 615873. Disease mechanism: loss of function.

Submissions (4):

3billion
Classification: Uncertain significance for ADNP-related multiple congenital anomalies - intellectual disability - autism spectrum disorder. Last evaluated: 2024-09-24. Review status: criteria provided, single submitter. Criteria: ACMG Guidelines, 2015. Collection method: clinical testing. Allele origin: germline. Affected: yes.
Comment: The variant is observed at an extremely low frequency in the gnomAD v4.0.0 dataset (total allele frequency: <0.001%). Predicted Consequence/Location: Frameshift: predicted to result in a loss or disruption of normal protein function through protein truncation. The predicted truncated protein may be shortened by less than 10%. The variant has been reported to be associated with ADNP-related disorder (ClinVar ID: VCV000694537). However, the evidence of pathogenicity is insufficient at this time. Therefore, this variant is classified as VUS according to the recommendation of ACMG/AMP guideline.

Daryl Scott Lab, Baylor College of Medicine
Classification: Uncertain significance for ADNP-related multiple congenital anomalies - intellectual disability - autism spectrum disorder. Last evaluated: 2024-01-01. Review status: criteria provided, single submitter. Criteria: ACMG Guidelines, 2015. Collection method: clinical testing. Allele origin: paternal. Observed: 1 heterozygote.
Comment: PM2

Labcorp Genetics (formerly Invitae), Labcorp
Classification: Pathogenic. Last evaluated: 2023-09-22. Review status: criteria provided, single submitter. Criteria: Invitae Variant Classification Sherloc (09022015). Collection method: clinical testing. Allele origin: germline.
Comment: For these reasons, this variant has been classified as Pathogenic. This variant disrupts a region of the ADNP protein in which other variant(s) (p.Met1088Serfs*5) have been determined to be pathogenic (PMID: 28135719). This suggests that this is a clinically significant region of the protein, and that variants that disrupt it are likely to be disease-causing. ClinVar contains an entry for this variant (Variation ID: 694537). This variant has not been reported in the literature in individuals affected with ADNP-related conditions. This variant is not present in population databases (gnomAD no frequency). This sequence change creates a premature translational stop signal (p.Ser1071Argfs*9) in the ADNP gene. While this is not anticipated to result in nonsense mediated decay, it is expected to disrupt the last 32 amino acid(s) of the ADNP protein.

Institute of Human Genetics, Cologne University
Classification: Likely benign for ADNP-related multiple congenital anomalies - intellectual disability - autism spectrum disorder. Review status: no assertion criteria provided. Collection method: clinical testing. Allele origin: inherited. Affected: yes. Observed: 1 heterozygote. Not counted in ClinVar's aggregate classification.

Literature cited by the submitters: PubMed 28135719 (cited by Labcorp Genetics (formerly Invitae), Labcorp).